The following is an entry in ClinVar:

ClinVar aggregate classification (germline): Uncertain significance (1 of 4 stars; one submission).

Submission:

Labcorp Genetics (formerly Invitae), Labcorp
Classification: Uncertain significance. Last evaluated: 2023-01-12. Review status: criteria provided, single submitter. Criteria: Invitae Variant Classification Sherloc (09022015). Collection method: clinical testing. Allele origin: germline.
Comment: This variant is present in population databases (no rsID available, gnomAD 0.0009%). This variant has not been reported in the literature in individuals affected with CFI-related conditions. Experimental studies and prediction algorithms are not available or were not evaluated, and the functional significance of this variant is currently unknown. In summary, the available evidence is currently insufficient to determine the role of this variant in disease. Therefore, it has been classified as a Variant of Uncertain Significance. This variant, c.605_607del, results in the deletion of 1 amino acid(s) of the CFI protein (p.Arg202del), but otherwise preserves the integrity of the reading frame.

NM_000204.5(CFI):c.602GAA[1] (p.Arg202del)

Gene: CFI (complement factor I; minus strand). Cytogenetic location: 4q25.
Variant type: Microsatellite.
Coding change: c.602GAA[1] on transcript NM_000204.5 (MANE Select); one copy of the 3-base unit GAA starting at c.602; the reference has two copies in a row; one copy, 3 bases deleted.
Protein change: p.Arg202del; deletes arginine 202.
Molecular consequence: inframe deletion. On other transcripts: 5 prime UTR variant (1), non-coding transcript variant (3).
Genome position (GRCh38, 1-based): chr4:109,761,568-109,761,570, TTC deleted on the plus strand (GAA on the coding strand, the reverse complement: CFI is on the minus strand); deleting any 3 consecutive bases within chr4:109,761,568-109,761,574 gives the same sequence; the position shown is the placement nearest the transcript's 3' end. VCF-style (leftmost placement, unchanged base first): chr4-109761567-GTTC-G. GRCh37 (hg19) VCF-style: chr4-110682723-GTTC-G.
Other names: c.602GAA[1], p.Arg202del (NM_001318057.2, NM_001331035.2, NM_001375278.1 and 5 more transcripts); c.-8GAA[1] (NM_001375284.1); short protein forms R202del.
Identifiers: ClinVar variation 2827874 (VCV002827874.3), dbSNP rs1561302698, ClinGen allele CA553658830.